The following is an entry in ClinVar:

ClinVar aggregate classification (germline): Pathogenic (1 of 4 stars; one submission).

Conditions:
Familial cancer of breast. Also called: Hereditary breast cancer; BREAST CANCER, FAMILIAL; hereditary breast carcinoma. Identifiers: Orphanet 227535, MedGen C0346153, MONDO:0016419, OMIM 114480. Disease mechanism: loss of function.

Submission:

Myriad Genetics, Inc.
Classification: Pathogenic for Familial cancer of breast. Last evaluated: 2025-11-11. Review status: criteria provided, single submitter. Criteria: Myriad Autosomal Dominant, Autosomal Recessive and X-Linked Classification Criteria (2023). Collection method: clinical testing. Allele origin: unknown.
Comment: This variant is considered pathogenic. This variant creates a frameshift predicted to result in premature protein truncation.

NM_024675.4(PALB2):c.2813del (p.Asn938fs)

Gene: PALB2 (partner and localizer of BRCA2; minus strand). Cytogenetic location: 16p12.2.
Variant type: Deletion.
Coding change: c.2813del on transcript NM_024675.4 (MANE Select); coding-DNA position 2813, one base deleted (A; older notation c.2813delA).
Protein change: p.Asn938fs; shifts the reading frame from asparagine 938.
Molecular consequence: frameshift variant.
Genome position (GRCh38, 1-based): chr16:23,624,030, T deleted on the plus strand (A on the coding strand, the reverse complement: PALB2 is on the minus strand); the first of 3 consecutive T bases (chr16:23,624,030-23,624,032); deleting any one gives the same sequence. VCF-style (leftmost placement, unchanged base first): chr16-23624029-AT-A. GRCh37 (hg19) VCF-style: chr16-23635350-AT-A.
Other names: c.2753del, p.Asn918fs (NM_001407296.1); c.2741del, p.Asn914fs (NM_001407297.1); c.2651del, p.Asn884fs (NM_001407298.1, NM_001407302.1); c.2813del, p.Asn938fs (NM_001407299.1, NM_001407300.1, NM_001407301.1); c.1928del, p.Asn643fs (NM_001407304.1, NM_001407305.1, NM_001407306.1 and 4 more transcripts); c.1766del, p.Asn589fs (NM_001407307.1); c.1025del, p.Asn342fs (NM_001407312.1, NM_001407313.1); c.347del, p.Asn116fs (NM_001407314.1); short protein forms N116fs, N342fs, N589fs, N643fs, N884fs, N914fs, N918fs, N938fs.
Identifiers: ClinVar variation 4813034 (VCV004813034.1).
Genomic context (GRCh38, chr16:23,624,029, plus strand): 5'-AGATGAAGGAAAAACAAATCACTCCTTGGGAATTACATACCTGATCTCTCTGATTTCCAA[AT>A]TTCCCAAAGCTACACACACGAGATTATACACATCAGGCACTGGAACTATCTGTAATACTG-3'